The following is an entry in ClinVar:

ClinVar aggregate classification (germline): Uncertain significance (1 of 4 stars; one submission).

Conditions:
SLC17A8-related disorder. Also called: SLC17A8-related condition.

Allele frequency attached by ClinVar (database versions not stated): gnomAD 0.00002; TOPMed 0.00002; gnomAD exomes 0.00006.
gnomAD v4.1: 88 of 1,614,062 alleles (0.0055%); highest among the groups gnomAD compares: Non-Finnish European, 0.0073%; no homozygotes.

Submission:

PreventionGenetics, part of Exact Sciences
Classification: Uncertain significance for SLC17A8-related condition. Last evaluated: 2022-10-11. Review status: criteria provided, single submitter. Criteria: ACMG Guidelines, 2015. Collection method: clinical testing. Allele origin: germline.
Comment: The SLC17A8 c.1151C>T variant is predicted to result in the amino acid substitution p.Thr384Ile. To our knowledge, this variant has not been reported in the literature. This variant is reported in 0.0023% of alleles in individuals of European (Non-Finnish) descent in gnomAD. At this time, the clinical significance of this variant is uncertain due to the absence of conclusive functional and genetic evidence.

NM_139319.3(SLC17A8):c.1151C>T (p.Thr384Ile)

Gene: SLC17A8 (solute carrier family 17 member 8; plus strand). Cytogenetic location: 12q23.1.
Variant type: single nucleotide variant.
Coding change: c.1151C>T on transcript NM_139319.3 (MANE Select); coding-DNA position 1151, C replaced by T.
Protein change: p.Thr384Ile; replaces threonine 384 with isoleucine.
Molecular consequence: missense variant.
Genome position (GRCh38, 1-based): chr12:100,404,135, C>T. VCF-style: chr12-100404135-C-T. GRCh37 (hg19) VCF-style: chr12-100797913-C-T.
Other names: c.1001C>T, p.Thr334Ile (NM_001145288.2); short protein forms T334I, T384I.
Identifiers: ClinVar variation 2636649 (VCV002636649.1), dbSNP rs774391972, ClinGen allele CA6738941.
Genomic context (GRCh38, chr12:100,404,135, plus strand): 5'-CAATCGTTGTACCTATTGGAGGACAATTGGCTGATTATTTAAGAAGCAGACAAATTTTAA[C>T]CACAACTGCTGTCAGAAAAATCATGAACTGTGGAGGTACTGTGGATTTCATAGATGGCTT-3'
Protein context (NP_647480.1, residues 374-394): ADYLRSRQIL[Thr384Ile]TTAVRKIMNC